The following is an entry in ClinVar:

ClinVar aggregate classification (germline): Uncertain significance (1 of 4 stars; one submission).

Conditions:
Hereditary sensory and autonomic neuropathy type 7. Also called: Neuropathy, hereditary sensory and autonomic, type VII; HSAN VII. Identifiers: Orphanet 391397, MedGen C3809882, MONDO:0014244, OMIM 615548.
Familial episodic pain syndrome with predominantly lower limb involvement. Also called: Episodic pain syndrome, familial, 3. Identifiers: Orphanet 391384, Orphanet 391392, MedGen C3809899, MONDO:0014247, OMIM 615552.

Submission:

Labcorp Genetics (formerly Invitae), Labcorp
Classification: Uncertain significance for Familial episodic pain syndrome with predominantly lower limb involvement; Hereditary sensory and autonomic neuropathy type 7. Last evaluated: 2025-06-27. Review status: criteria provided, single submitter. Criteria: Invitae Variant Classification Sherloc (09022015). Collection method: clinical testing. Allele origin: germline.
Comment: This sequence change replaces asparagine, which is neutral and polar, with serine, which is neutral and polar, at codon 812 of the SCN11A protein (p.Asn812Ser). This variant is not present in population databases (gnomAD no frequency). This variant has not been reported in the literature in individuals affected with SCN11A-related conditions. ClinVar contains an entry for this variant (Variation ID: 1398430). Invitae Evidence Modeling of protein sequence and biophysical properties (such as structural, functional, and spatial information, amino acid conservation, physicochemical variation, residue mobility, and thermodynamic stability) indicates that this missense variant is not expected to disrupt SCN11A protein function with a negative predictive value of 80%. In summary, the available evidence is currently insufficient to determine the role of this variant in disease. Therefore, it has been classified as a Variant of Uncertain Significance.

NM_001349253.2(SCN11A):c.2435A>G (p.Asn812Ser)

Gene: SCN11A (sodium voltage-gated channel alpha subunit 11; minus strand). Cytogenetic location: 3p22.2.
Variant type: single nucleotide variant.
Coding change: c.2435A>G on transcript NM_001349253.2 (MANE Select); coding-DNA position 2435, A replaced by G.
Protein change: p.Asn812Ser; replaces asparagine 812 with serine.
Molecular consequence: missense variant.
Genome position (GRCh38, 1-based): chr3:38,894,933, T>C on the plus strand (A>G on the coding strand, the complement: SCN11A is on the minus strand). VCF-style: chr3-38894933-T-C. GRCh37 (hg19) VCF-style: chr3-38936424-T-C.
Other names: c.2435A>G, p.Asn812Ser (NM_014139.3); short protein forms N812S.
Identifiers: ClinVar variation 1398430 (VCV001398430.8), dbSNP rs2126116477, ClinGen allele CA352175156.